The following is an entry in ClinVar:

ClinVar aggregate classification (germline): Uncertain significance. Review status: criteria provided, multiple submitters, no conflicts (2 of 4 stars). 2 submissions from 2 submitters: Uncertain significance (2). Last evaluated 2026-07-29.

Conditions:
Inborn genetic diseases. Identifiers: MedGen C0950123, MeSH D030342.

gnomAD v4.1: 1 of 1,613,844 alleles (0.000062%); highest among the groups gnomAD compares: Non-Finnish European, 0.000085%; no homozygotes.

Submissions (2):

Ambry Genetics
Classification: Uncertain significance for Inborn genetic diseases. Last evaluated: 2026-07-29. Review status: criteria provided, single submitter. Criteria: Ambry Variant Classification Scheme 2023. Collection method: clinical testing. Allele origin: germline.

Labcorp Genetics (formerly Invitae), Labcorp
Classification: Uncertain significance. Last evaluated: 2020-10-06. Review status: criteria provided, single submitter. Criteria: Invitae Variant Classification Sherloc (09022015). Collection method: clinical testing. Allele origin: germline.
Comment: In summary, the available evidence is currently insufficient to determine the role of this variant in disease. Therefore, it has been classified as a Variant of Uncertain Significance. Algorithms developed to predict the effect of missense changes on protein structure and function (SIFT, PolyPhen-2, Align-GVGD) all suggest that this variant is likely to be tolerated, but these predictions have not been confirmed by published functional studies and their clinical significance is uncertain. This variant has not been reported in the literature in individuals with MYO7A-related conditions. This variant is not present in population databases (ExAC no frequency). This sequence change replaces leucine with valine at codon 1508 of the MYO7A protein (p.Leu1508Val). The leucine residue is highly conserved and there is a small physicochemical difference between leucine and valine.

NM_000260.4(MYO7A):c.4522C>G (p.Leu1508Val)

Gene: MYO7A (myosin VIIA; plus strand). Cytogenetic location: 11q13.5.
Variant type: single nucleotide variant.
Coding change: c.4522C>G on transcript NM_000260.4 (MANE Select); coding-DNA position 4522, C replaced by G.
Protein change: p.Leu1508Val; replaces leucine 1508 with valine.
Molecular consequence: missense variant.
Genome position (GRCh38, 1-based): chr11:77,198,575, C>G. VCF-style: chr11-77198575-C-G. GRCh37 (hg19) VCF-style: chr11-76909620-C-G.
Other names: c.4522C>G (NM_000260.3); c.4522C>G, p.Leu1508Val (NM_001127180.2); c.4489C>G, p.Leu1497Val (NM_001369365.1); short protein forms L1497V, L1508V.
Identifiers: ClinVar variation 1046587 (VCV001046587.9), dbSNP rs1166912404, ClinGen allele CA381950372.